The following is an entry in ClinVar:

NM_000055.4(BCHE):c.1171_1174del (p.Glu391fs)

Gene: BCHE (butyrylcholinesterase; minus strand). Cytogenetic location: 3q26.1.
Variant type: Microsatellite.
Coding change: c.1171_1174del on transcript NM_000055.4 (MANE Select); coding-DNA positions 1171 to 1174, 4 bases deleted (GAGT; older notation c.1171_1174delGAGT).
Protein change: p.Glu391fs; shifts the reading frame from glutamic acid 391.
Molecular consequence: frameshift variant. On other transcripts: non-coding transcript variant (1).
Genome position (GRCh38, 1-based): chr3:165,829,860-165,829,863, ACTC deleted on the plus strand (GAGT on the coding strand, the reverse complement: BCHE is on the minus strand); deleting any 4 consecutive bases within chr3:165,829,860-165,829,871 gives the same sequence; the c. name uses the placement nearest the transcript's 3' end. VCF-style (leftmost placement, unchanged base first): chr3-165829859-AACTC-A. GRCh37 (hg19) VCF-style: chr3-165547647-AACTC-A.
Other names: short protein forms E391fs.
Identifiers: ClinVar variation 5003628 (VCV005003628.1).

ClinVar aggregate classification (germline): Pathogenic (1 of 4 stars; one submission).

Conditions:
Deficiency of butyrylcholinesterase (BCHED). Also called: Deficiency of butyrylcholine esterase; BCHE, silent 1; Butyrylcholinesterase deficiency; Acholinesterasemia. Identifiers: Orphanet 132, MedGen C1283400, MONDO:0015270, OMIM 617936.

Submission:

Myriad Genetics, Inc.
Classification: Pathogenic for Deficiency of butyrylcholinesterase. Last evaluated: 2026-05-04. Review status: criteria provided, single submitter. Criteria: Myriad Autosomal Dominant, Autosomal Recessive and X-Linked Classification Criteria (2023). Collection method: clinical testing. Allele origin: unknown.
Comment: NM_000055.2(BCHE):c.1171_1174delGAGT(E391Lfs*14) is a frameshift variant classified as pathogenic in the context of pseudocholinesterase deficiency. E391Lfs*14 has not been observed in cases with relevant disease. Relevant functional assessments of this variant are not available in the literature. E391Lfs*14 has been observed in referenced population frequency databases. In summary, NM_000055.2(BCHE):c.1171_1174delGAGT(E391Lfs*14) is a frameshift variant in a gene where loss of function is a known mechanism of disease and is predicted to disrupt protein function. Please note: this variant was assessed in the context of healthy population screening.